The following is an entry in ClinVar:

NM_015213.4(DENND5A):c.480G>C (p.Glu160Asp)

Gene: DENND5A (DENN domain containing 5A; minus strand). Cytogenetic location: 11p15.4.
Variant type: single nucleotide variant.
Coding change: c.480G>C on transcript NM_015213.4 (MANE Select); coding-DNA position 480, G replaced by C.
Protein change: p.Glu160Asp; replaces glutamic acid 160 with aspartic acid.
Molecular consequence: missense variant. On other transcripts: non-coding transcript variant (1).
Genome position (GRCh38, 1-based): chr11:9,204,129, C>G on the plus strand (G>C on the coding strand, the complement: DENND5A is on the minus strand). VCF-style: chr11-9204129-C-G. GRCh37 (hg19) VCF-style: chr11-9225676-C-G.
Other names: c.480G>C, p.Glu160Asp (NM_001243254.2, NM_001348748.1); c.408G>C, p.Glu136Asp (NM_001348749.2); c.192G>C, p.Glu64Asp (NM_001348750.2); short protein forms E136D, E160D, E64D.
Identifiers: ClinVar variation 2107907 (VCV002107907.4), dbSNP rs148784597, ClinGen allele CA379599772.

ClinVar aggregate classification (germline): Uncertain significance (1 of 4 stars; one submission).

gnomAD v4.1: 2 of 1,614,170 alleles (0.00012%); highest among the groups gnomAD compares: South Asian, 0.0022%; no homozygotes.

Submission:

Labcorp Genetics (formerly Invitae), Labcorp
Classification: Uncertain significance. Last evaluated: 2022-03-09. Review status: criteria provided, single submitter. Criteria: Invitae Variant Classification Sherloc (09022015). Collection method: clinical testing. Allele origin: germline.
Comment: This sequence change replaces glutamic acid, which is acidic and polar, with aspartic acid, which is acidic and polar, at codon 160 of the DENND5A protein (p.Glu160Asp). This variant is present in population databases (no rsID available, gnomAD 0.003%). This variant has not been reported in the literature in individuals affected with DENND5A-related conditions. Algorithms developed to predict the effect of missense changes on protein structure and function (SIFT, PolyPhen-2, Align-GVGD) all suggest that this variant is likely to be disruptive. In summary, the available evidence is currently insufficient to determine the role of this variant in disease. Therefore, it has been classified as a Variant of Uncertain Significance.